The following is an entry in ClinVar:

NM_001829.4(CLCN3):c.508G>A (p.Glu170Lys)

Gene: CLCN3 (Cl-/H+ antiporter 3; plus strand). Cytogenetic location: 4q33.
Variant type: single nucleotide variant.
Coding change: c.508G>A on transcript NM_001829.4 (MANE Select); coding-DNA position 508, G replaced by A.
Protein change: p.Glu170Lys; replaces glutamic acid 170 with lysine.
Molecular consequence: missense variant.
Genome position (GRCh38, 1-based): chr4:169,689,132, G>A. VCF-style: chr4-169689132-G-A. GRCh37 (hg19) VCF-style: chr4-170610283-G-A.
Other names: c.508G>A, p.Glu170Lys (NM_001243372.2, NM_173872.4); c.427G>A, p.Glu143Lys (NM_001243374.2); short protein forms E143K, E170K.
Identifiers: ClinVar variation 5006750 (VCV005006750.2).

ClinVar aggregate classification (germline): Uncertain significance (1 of 4 stars; one submission).

Conditions:
Neurodevelopmental disorder with seizures and brain abnormalities. Identifiers: MedGen C5561979, MONDO:0859188, OMIM 619517.

gnomAD v4.1: 7 of 1,613,722 alleles (0.00043%); highest among the groups gnomAD compares: African/African-American, 0.0027%; no homozygotes.

Submission:

Juno Genomics, Hangzhou Juno Genomics, Inc
Classification: Uncertain significance for Neurodevelopmental disorder with seizures and brain abnormalities. Review status: criteria provided, single submitter. Criteria: ACMG Guidelines, 2015. Collection method: clinical testing. Allele origin: germline.
Comment: Missense variant in a gene that has a low rate of benign missense variation.;Multiple lines of computational evidence support a deleterious effect on the gene or gene product.;Absent from controls (or at extremely low frequency if recessive) in Genome Aggregation Database.